The following is an entry in ClinVar:

ClinVar aggregate classification (germline): Uncertain significance. Review status: criteria provided, multiple submitters, no conflicts (2 of 4 stars). 3 submissions from 3 submitters: Uncertain significance (3). Last evaluated 2025-12-22.

Conditions:
Disseminated atypical mycobacterial infection. Identifiers: MedGen C0694566.
Immunodeficiency 27A (IMD27A). Also called: IMMUNODEFICIENCY 27A, MYCOBACTERIOSIS, AUTOSOMAL RECESSIVE; IFNGR1 DEFICIENCY, AUTOSOMAL RECESSIVE. Identifiers: Orphanet 319569, Orphanet 99898, MedGen C4011949, MONDO:0008856, OMIM 209950.

Allele frequency attached by ClinVar (database versions not stated): ESP Exome Variant Server 0.00008; gnomAD exomes 0.00016; ExAC 0.00017; 1000 Genomes Project 0.00020; gnomAD 0.00025 and 0.00026; TOPMed 0.00029; 1000 Genomes Project 30x 0.00031.
gnomAD v4.1: 234 of 1,610,082 alleles (0.015%); highest among the groups gnomAD compares: South Asian, 0.041%; 1 homozygote.

Submissions (3):

Labcorp Genetics (formerly Invitae), Labcorp
Classification: Uncertain significance for Disseminated atypical mycobacterial infection. Last evaluated: 2025-12-22. Review status: criteria provided, single submitter. Criteria: Invitae Variant Classification Sherloc (09022015). Collection method: clinical testing. Allele origin: germline.
Comment: This sequence change replaces asparagine, which is neutral and polar, with serine, which is neutral and polar, at codon 79 of the IFNGR1 protein (p.Asn79Ser). This variant is present in population databases (rs377227464, gnomAD 0.06%). This variant has not been reported in the literature in individuals affected with IFNGR1-related conditions. ClinVar contains an entry for this variant (Variation ID: 569230). Invitae Evidence Modeling of protein sequence and biophysical properties (such as structural, functional, and spatial information, amino acid conservation, physicochemical variation, residue mobility, and thermodynamic stability) indicates that this missense variant is not expected to disrupt IFNGR1 protein function with a negative predictive value of 80%. In summary, the available evidence is currently insufficient to determine the role of this variant in disease. Therefore, it has been classified as a Variant of Uncertain Significance.

Laboratorio de Genetica e Diagnostico Molecular, Hospital Israelita Albert Einstein
Classification: Uncertain significance for Immunodeficiency 27A. Last evaluated: 2022-12-02. Review status: criteria provided, single submitter. Criteria: ACMG Guidelines, 2015. Collection method: clinical testing. Allele origin: germline. Affected: yes. Observed: 1 variant allele.
Comment: ACMG classification criteria: BP4 supporting

Illumina Laboratory Services, Illumina
Classification: Uncertain significance for Immunodeficiency 27A. Last evaluated: 2017-04-27. Review status: criteria provided, single submitter. Criteria: ICSL Variant Classification Criteria 13 December 2019. Collection method: clinical testing. Allele origin: germline.
Comment: This variant was observed as part of a predisposition screen in an ostensibly healthy population. A literature search was performed for the gene, cDNA change, and amino acid change (where applicable). Publications were found based on this search. However, the evidence from the literature, in combination with allele frequency data from public databases where available, was not sufficient to rule this variant in or out of causing disease. Therefore, this variant is classified as a variant of unknown significance.

Literature cited by the submitters: PubMed 27356097 (cited by Illumina Laboratory Services, Illumina).

NM_000416.3(IFNGR1):c.236A>G (p.Asn79Ser)

Gene: IFNGR1 (interferon gamma receptor 1; minus strand). Cytogenetic location: 6q23.3.
Variant type: single nucleotide variant.
Coding change: c.236A>G on transcript NM_000416.3 (MANE Select); coding-DNA position 236, A replaced by G.
Protein change: p.Asn79Ser; replaces asparagine 79 with serine.
Molecular consequence: missense variant.
Genome position (GRCh38, 1-based): chr6:137,206,273, T>C on the plus strand (A>G on the coding strand, the complement: IFNGR1 is on the minus strand). VCF-style: chr6-137206273-T-C. GRCh37 (hg19) VCF-style: chr6-137527410-T-C.
Other names: c.206A>G, p.Asn69Ser (NM_001363526.1); c.113A>G, p.Asn38Ser (NM_001363527.1); short protein forms N79S, N38S, N69S.
Identifiers: ClinVar variation 569230 (VCV000569230.12), dbSNP rs377227464, ClinGen allele CA4019004.
Genomic context (GRCh38, chr6:137,206,273, plus strand): 5'-CAAAGAGAATTTGATGGATCACCAACATGATCAGAAATATTACAATAATGATGAGAAATA[T>C]TGATGCAGGCATCAATCCATTCTGAATTCTTAACACTAAAAAGAATAAAAAAATGCGAAG-3'
Protein context (NP_000407.1, residues 69-89): KNSEWIDACI[Asn79Ser]ISHHYCNISD